The following is an entry in ClinVar:

ClinVar aggregate classification (germline): Uncertain significance. Review status: criteria provided, multiple submitters, no conflicts (2 of 4 stars). 2 submissions from 2 submitters: Uncertain significance (2). Last evaluated 2025-10-30.

Conditions:
Inborn genetic diseases. Identifiers: MedGen C0950123, MeSH D030342.
Baller-Gerold syndrome (BGS). Also called: CRANIOSYNOSTOSIS WITH RADIAL DEFECTS. Identifiers: Orphanet 1225, MedGen C0265308, MONDO:0009039, OMIM 218600.

Allele frequency attached by ClinVar (database versions not stated): gnomAD 0.00001; 1000 Genomes Project 30x 0.00016.

Submissions (2):

Ambry Genetics
Classification: Uncertain significance for Inborn genetic diseases. Last evaluated: 2025-10-30. Review status: criteria provided, single submitter. Criteria: Ambry Variant Classification Scheme 2023. Collection method: clinical testing. Allele origin: germline.
Comment: The p.R5Q variant (also known as c.14G>A), located in coding exon 1 of the RECQL4 gene, results from a G to A substitution at nucleotide position 14. The arginine at codon 5 is replaced by glutamine, an amino acid with highly similar properties. This amino acid position is conserved. In addition, this alteration is predicted to be tolerated by in silico analysis. Based on the available evidence, the clinical significance of this variant remains unclear.

Labcorp Genetics (formerly Invitae), Labcorp
Classification: Uncertain significance for Baller-Gerold syndrome. Last evaluated: 2024-10-21. Review status: criteria provided, single submitter. Criteria: Invitae Variant Classification Sherloc (09022015). Collection method: clinical testing. Allele origin: germline.
Comment: This sequence change replaces arginine, which is basic and polar, with glutamine, which is neutral and polar, at codon 5 of the RECQL4 protein (p.Arg5Gln). This variant is not present in population databases (gnomAD no frequency). This variant has not been reported in the literature in individuals affected with RECQL4-related conditions. ClinVar contains an entry for this variant (Variation ID: 1525589). Experimental studies and prediction algorithms are not available or were not evaluated, and the functional significance of this variant is currently unknown. In summary, the available evidence is currently insufficient to determine the role of this variant in disease. Therefore, it has been classified as a Variant of Uncertain Significance.

NM_004260.4(RECQL4):c.14G>A (p.Arg5Gln)

Genes: RECQL4 (RecQ like helicase 4; minus strand), LOC130001411 (ATAC-STARR-seq lymphoblastoid silent region 19699; plus strand). Cytogenetic location: 8q24.3.
Variant type: single nucleotide variant.
Coding change: c.14G>A on transcript NM_004260.4 (MANE Select); coding-DNA position 14, G replaced by A.
Protein change: p.Arg5Gln; replaces arginine 5 with glutamine.
Molecular consequence: missense variant.
Genome position (GRCh38, 1-based): chr8:144,517,771, C>T on the plus strand (G>A on the coding strand, the complement: RECQL4 is on the minus strand). VCF-style: chr8-144517771-C-T. GRCh37 (hg19) VCF-style: chr8-145743155-C-T.
Other names: c.14G>A (NM_004260.3); short protein forms R5Q.
Identifiers: ClinVar variation 1525589 (VCV001525589.7), dbSNP rs1815447241, ClinGen allele CA372693997.
Genomic context (GRCh38, chr8:144,517,771, plus strand): 5'-CGCCGCCCGCGCTGCCGTCGGAACGCGCGCTCCCACGCCTGCAGCCGCTCCCGCACGTCC[C>T]GCAGCCGCTCCATGGCGCGCGCGCCCGCCCGGCCTCCGCGCTTGCGATCGTCCAGCGAAT-3'
Protein context (NP_004251.4, residues 1-15): MERL[Arg5Gln]DVRERLQAWE